The following is an entry in ClinVar:

NM_000057.4(BLM):c.2917del (p.Tyr973fs)

Gene: BLM (BLM RecQ like helicase; plus strand). Cytogenetic location: 15q26.1.
Variant type: Deletion.
Coding change: c.2917del on transcript NM_000057.4 (MANE Select); coding-DNA position 2917, one base deleted (T; older notation c.2917delT).
Protein change: p.Tyr973fs; shifts the reading frame from tyrosine 973.
Molecular consequence: frameshift variant.
Genome position (GRCh38, 1-based): chr15:90,790,742, T deleted; the last of 2 consecutive T bases (chr15:90,790,741-90,790,742); deleting either gives the same sequence. VCF-style (leftmost placement, unchanged base first): chr15-90790740-GT-G. GRCh37 (hg19) VCF-style: chr15-91333970-GT-G.
Other names: c.2917del, p.Tyr973fs (NM_001287246.2, NM_001287247.2); c.1792del, p.Tyr598fs (NM_001287248.2); short protein forms Y598fs, Y973fs.
Identifiers: ClinVar variation 1074060 (VCV001074060.7), dbSNP rs2151184585, ClinGen allele CA2499223165.

ClinVar aggregate classification (germline): Pathogenic (1 of 4 stars; one submission).

Conditions:
Bloom syndrome (BLM). Also called: Bloom-Torre-Machacek syndrome. Identifiers: Orphanet 125, MedGen C0005859, MONDO:0008876, OMIM 210900.

Submission:

Labcorp Genetics (formerly Invitae), Labcorp
Classification: Pathogenic for Bloom syndrome. Last evaluated: 2020-08-14. Review status: criteria provided, single submitter. Criteria: Invitae Variant Classification Sherloc (09022015). Collection method: clinical testing. Allele origin: germline.
Comment: This variant has not been reported in the literature in individuals with BLM-related conditions. This variant is not present in population databases (ExAC no frequency). This sequence change creates a premature translational stop signal (p.Tyr973Thrfs*26) in the BLM gene. It is expected to result in an absent or disrupted protein product. Loss-of-function variants in BLM are known to be pathogenic (PMID: 17407155). For these reasons, this variant has been classified as Pathogenic.

Literature cited by the submitters: PubMed 17407155.